The following is an entry in ClinVar:

NM_032833.5(PPP1R15B):c.1886C>G (p.Ser629Cys)

Gene: PPP1R15B (protein phosphatase 1 regulatory subunit 15B; minus strand). Cytogenetic location: 1q32.1.
Variant type: single nucleotide variant.
Coding change: c.1886C>G on transcript NM_032833.5 (MANE Select); coding-DNA position 1886, C replaced by G.
Protein change: p.Ser629Cys; replaces serine 629 with cysteine.
Molecular consequence: missense variant.
Genome position (GRCh38, 1-based): chr1:204,409,526, G>C on the plus strand (C>G on the coding strand, the complement: PPP1R15B is on the minus strand). VCF-style: chr1-204409526-G-C. GRCh37 (hg19) VCF-style: chr1-204378654-G-C.
Other names: short protein forms S629C.
Identifiers: ClinVar variation 716902 (VCV000716902.37), dbSNP rs111725786, ClinGen allele CA1346557.
Genomic context (GRCh38, chr1:204,409,526, plus strand): 5'-GGCATGTTAAAAGACAAGAAACAAACCTTTTTTCTTTTGACATGTGTGTGTCTTCCTCCA[G>C]AAAGAACGTCACGCTGTACCGAGTCTGGACATTCACTTTCTTGGCTCCCCAACAGCTGCA-3'
Protein context (NP_116222.4, residues 619-639): CPDSVQRDVL[Ser629Cys]GGRHTHVKRK

ClinVar aggregate classification (germline): Benign. Review status: criteria provided, multiple submitters, no conflicts (2 of 4 stars). 4 submissions from 4 submitters: Benign (4). Last evaluated 2026-01-15.

Allele frequency attached by ClinVar (database versions not stated): gnomAD exomes 0.00045 and 0.00108; ExAC 0.00123; TOPMed 0.00388; ESP Exome Variant Server 0.00408; gnomAD 0.00417 and 0.00447; 1000 Genomes Project 0.00439; 1000 Genomes Project 30x 0.00453.
gnomAD v4.1: 1,332 of 1,613,160 alleles (0.083%); highest among the groups gnomAD compares: African/African-American, 1.5%; 16 homozygotes.

Submissions (4):

Labcorp Genetics (formerly Invitae), Labcorp
Classification: Benign. Last evaluated: 2026-01-15. Review status: criteria provided, single submitter. Criteria: Invitae Variant Classification Sherloc (09022015). Collection method: clinical testing. Allele origin: germline.

CeGaT Center for Human Genetics Tuebingen
Classification: Benign. Last evaluated: 2023-02-01. Review status: criteria provided, single submitter. Criteria: CeGaT Center For Human Genetics Tuebingen Variant Classification Criteria Version 2. Collection method: clinical testing. Allele origin: germline. Affected: yes. Observed: 1 variant allele.
Comment: PPP1R15B: BP4, BS1, BS2

Genetic Services Laboratory, University of Chicago
Classification: Benign. Last evaluated: 2017-12-06. Review status: criteria provided, single submitter. Criteria: ACMG Guidelines, 2015. Collection method: clinical testing. Allele origin: germline. Affected: no.

Breakthrough Genomics
Classification: Benign. Review status: criteria provided, single submitter. Criteria: ACMG Guidelines, 2015. Collection method: not provided. Allele origin: germline. Inheritance: Autosomal recessive inheritance. Affected: yes.